The following is an entry in ClinVar:

NM_001127511.3(APC):c.165+21803C>A

Gene: APC (APC regulator of Wnt signaling pathway; plus strand). Cytogenetic location: 5q22.2.
Variant type: single nucleotide variant.
Coding change: c.165+21803C>A on transcript NM_001127511.3; 21803 bases into the intron after coding-DNA position 165, C replaced by A.
Molecular consequence: intron variant.
Genome position (GRCh38, 1-based): chr5:112,729,685, C>A. VCF-style: chr5-112729685-C-A. GRCh37 (hg19) VCF-style: chr5-112065382-C-A.
Other names: c.-1054+21803C>A (NM_001407470.1, NM_001407472.1); c.-19+21803C>A (NM_001407447.1, NM_001354895.2, NM_001407456.1 and 3 more transcripts); c.165+21803C>A (NM_001407446.1, NM_001354897.2, NM_001354902.2); c.-19+22036C>A (NM_001407448.1, NM_001407450.1, NM_001407457.1 and 1 more transcripts); c.-43+22036C>A (NM_001407453.1).
Identifiers: ClinVar variation 82302 (VCV000082302.4), dbSNP rs77955030, ClinGen allele CA023536.

ClinVar aggregate classification (germline): other (0 of 4 stars; one submission).

Conditions:
Familial colorectal cancer. Identifiers: MedGen CN280943, MONDO:0023113. Disease mechanism: loss of function.

Submission:

Systems Biology Platform Zhejiang California International NanoSystems Institute
Classification: other for Familial colorectal cancer. Review status: no assertion criteria provided. Collection method: not provided. Allele origin: unknown.
ClinVar note: Converted during submission from cancer to other.